The following is an entry in ClinVar:

NM_001231.5(CASQ1):c.472G>T (p.Glu158Ter)

Gene: CASQ1 (calsequestrin 1; plus strand). Cytogenetic location: 1q23.2.
Variant type: single nucleotide variant.
Coding change: c.472G>T on transcript NM_001231.5 (MANE Select); coding-DNA position 472, G replaced by T.
Protein change: p.Glu158Ter; replaces glutamic acid 158 with a stop codon.
Molecular consequence: nonsense.
Genome position (GRCh38, 1-based): chr1:160,195,018, G>T. VCF-style: chr1-160195018-G-T. GRCh37 (hg19) VCF-style: chr1-160164808-G-T.
Other names: short protein forms E158*.
Identifiers: ClinVar variation 423470 (VCV000423470.2), dbSNP rs1064796446, ClinGen allele CA16617012.
Genomic context (GRCh38, chr1:160,195,018, plus strand): 5'-TCTGGTTCTACTTGAGGATAGAAACTCTCTTCCTGCAATGTCCTCCTCTTTCAGGTCCTA[G>T]AGGACCCTGTGGAATTGATTGAAGGTGAACGAGAGCTGCAGGCGTTTGAGAATATTGAGG-3'

ClinVar aggregate classification (germline): Uncertain significance (1 of 4 stars; one submission).

Allele frequency attached by ClinVar (database versions not stated): gnomAD 0.00001; TOPMed 0.00001.
gnomAD v4.1: 2 of 1,600,850 alleles (0.00012%); highest among the groups gnomAD compares: Non-Finnish European, 0.00017%; no homozygotes.

Submission:

GeneDx
Classification: Uncertain significance. Last evaluated: 2017-02-14. Review status: criteria provided, single submitter. Criteria: GeneDx Variant Classification (06012015). Collection method: clinical testing. Allele origin: germline. Affected: yes.
Comment: The E158X variant in the CASQ1 gene has not been reported previously as a pathogenic variant nor as a benign variant, to our knowledge. This variant is predicted to cause loss of normal protein function either through protein truncation or nonsense-mediated mRNA decay. The E158X variant is not observed in large population cohorts (Lek et al., 2016; 1000 Genomes Consortium et al., 2015; Exome Variant Server). Based on currently available evidence, we interpret E158X as a variant of uncertain significance